The following is an entry in ClinVar:

ClinVar aggregate classification (germline): Uncertain significance. Review status: criteria provided, multiple submitters, no conflicts (2 of 4 stars). 2 submissions from 2 submitters: Uncertain significance (2). Last evaluated 2022-08-16.

Conditions:
Galactosylceramide beta-galactosidase deficiency. Also called: GALACTOCEREBROSIDASE DEFICIENCY; GALC DEFICIENCY; GLOBOID CELL LEUKOENCEPHALOPATHY; Leukodystrophy, Globoid Cell; Krabbe Disease. Identifiers: Orphanet 487, MedGen C0023521, MONDO:0009499, OMIM 245200.

Allele frequency attached by ClinVar (database versions not stated): ExAC 0.00002; TOPMed 0.00003; gnomAD 0.00004; gnomAD exomes 0.00004.
gnomAD v4.1: 30 of 1,609,946 alleles (0.0019%); highest among the groups gnomAD compares: East Asian, 0.011%; no homozygotes.

Submissions (2):

Labcorp Genetics (formerly Invitae), Labcorp
Classification: Uncertain significance for Galactosylceramide beta-galactosidase deficiency. Last evaluated: 2022-08-16. Review status: criteria provided, single submitter. Criteria: Invitae Variant Classification Sherloc (09022015). Collection method: clinical testing. Allele origin: germline.
Comment: This sequence change replaces arginine, which is basic and polar, with cysteine, which is neutral and slightly polar, at codon 621 of the GALC protein (p.Arg621Cys). This variant is present in population databases (rs755930402, gnomAD 0.02%). This variant has not been reported in the literature in individuals affected with GALC-related conditions. ClinVar contains an entry for this variant (Variation ID: 1444101). Advanced modeling of protein sequence and biophysical properties (such as structural, functional, and spatial information, amino acid conservation, physicochemical variation, residue mobility, and thermodynamic stability) performed at Invitae indicates that this missense variant is not expected to disrupt GALC protein function. In summary, the available evidence is currently insufficient to determine the role of this variant in disease. Therefore, it has been classified as a Variant of Uncertain Significance.

Revvity Omics, Revvity
Classification: Uncertain significance. Last evaluated: 2022-06-20. Review status: criteria provided, single submitter. Criteria: ACMG Guidelines, 2015. Collection method: clinical testing. Allele origin: germline.

NM_000153.4(GALC):c.1861C>T (p.Arg621Cys)

Gene: GALC (galactosylceramidase; minus strand). Cytogenetic location: 14q31.3.
Variant type: single nucleotide variant.
Coding change: c.1861C>T on transcript NM_000153.4 (MANE Select); coding-DNA position 1861, C replaced by T.
Protein change: p.Arg621Cys; replaces arginine 621 with cysteine.
Molecular consequence: missense variant.
Genome position (GRCh38, 1-based): chr14:87,939,955, G>A on the plus strand (C>T on the coding strand, the complement: GALC is on the minus strand). VCF-style: chr14-87939955-G-A. GRCh37 (hg19) VCF-style: chr14-88406299-G-A.
Other names: c.1792C>T, p.Arg598Cys (NM_001201401.2); c.1783C>T, p.Arg595Cys (NM_001201402.2); short protein forms R621C, R595C, R598C.
Identifiers: ClinVar variation 1444101 (VCV001444101.5), dbSNP rs755930402, ClinGen allele CA7296889.
Genomic context (GRCh38, chr14:87,939,955, plus strand): 5'-CAATACTTACCTTAATAGTTAACGTGAGTGTATACCATTTTTTTGCTGTAACTTCAACAC[G>A]TCCTAAAGCATATATAATCCATCCAGCTGTAACACAAAAATATTATCCCAATAGATATAA-3'
Protein context (NP_000144.2, residues 611-631): LAGWIIYALG[Arg621Cys]VEVTAKKWYT